The following is an entry in ClinVar:

ClinVar aggregate classification (germline): Uncertain significance (1 of 4 stars; one submission).

Submission:

Labcorp Genetics (formerly Invitae), Labcorp
Classification: Uncertain significance. Last evaluated: 2022-06-10. Review status: criteria provided, single submitter. Criteria: Invitae Variant Classification Sherloc (09022015). Collection method: clinical testing. Allele origin: germline.
Comment: This sequence change replaces alanine, which is neutral and non-polar, with proline, which is neutral and non-polar, at codon 885 of the WHRN protein (p.Ala885Pro). This variant is not present in population databases (gnomAD no frequency). In summary, the available evidence is currently insufficient to determine the role of this variant in disease. Therefore, it has been classified as a Variant of Uncertain Significance. Algorithms developed to predict the effect of missense changes on protein structure and function are either unavailable or do not agree on the potential impact of this missense change (SIFT: "Deleterious"; PolyPhen-2: "Probably Damaging"; Align-GVGD: "Class C0"). This variant has not been reported in the literature in individuals affected with WHRN-related conditions.

NM_015404.4(WHRN):c.2653G>C (p.Ala885Pro)

Gene: WHRN (whirlin; minus strand). Cytogenetic location: 9q32.
Variant type: single nucleotide variant.
Coding change: c.2653G>C on transcript NM_015404.4 (MANE Select); coding-DNA position 2653, G replaced by C.
Protein change: p.Ala885Pro; replaces alanine 885 with proline.
Molecular consequence: missense variant.
Genome position (GRCh38, 1-based): chr9:114,402,825, C>G on the plus strand (G>C on the coding strand, the complement: WHRN is on the minus strand). VCF-style: chr9-114402825-C-G. GRCh37 (hg19) VCF-style: chr9-117165105-C-G.
Other names: c.1504G>C, p.Ala502Pro (NM_001083885.3); c.2650G>C, p.Ala884Pro (NM_001173425.2); c.1600G>C, p.Ala534Pro (NM_001346890.1); short protein forms A885P, A534P, A502P, A884P.
Identifiers: ClinVar variation 2091413 (VCV002091413.4), dbSNP rs143464875, ClinGen allele CA374618877.